The following is an entry in ClinVar:

NM_001111125.3(IQSEC2):c.620G>A (p.Arg207His)

Gene: IQSEC2 (IQ motif and Sec7 domain ArfGEF 2; minus strand). Cytogenetic location: Xp11.22.
Variant type: single nucleotide variant.
Coding change: c.620G>A on transcript NM_001111125.3 (MANE Select); coding-DNA position 620, G replaced by A.
Protein change: p.Arg207His; replaces arginine 207 with histidine.
Molecular consequence: missense variant.
Genome position (GRCh38, 1-based): chrX:53,320,504, C>T on the plus strand (G>A on the coding strand, the complement: IQSEC2 is on the minus strand). VCF-style: chrX-53320504-C-T. GRCh37 (hg19) VCF-style: chrX-53349702-C-T.
Other names: short protein forms R207H.
Identifiers: ClinVar variation 946739 (VCV000946739.10), dbSNP rs1556879985, ClinGen allele CA413238957.

ClinVar aggregate classification (germline): Uncertain significance (1 of 4 stars; one submission).

Conditions:
Intellectual developmental disorder, X-linked 1. Also called: Atkin Flaitz Patil Smith syndrome; MENTAL RETARDATION, X-LINKED 18; MENTAL RETARDATION, X-LINKED 78; Intellectual disability, X-linked 1. Identifiers: Orphanet 777, MedGen C2931498, MONDO:0010656, OMIM 309530.

gnomAD v4.1: 1 of 1,163,311 alleles (0.000086%); no homozygotes.

Submission:

Labcorp Genetics (formerly Invitae), Labcorp
Classification: Uncertain significance for Intellectual developmental disorder, X-linked 1. Last evaluated: 2019-05-13. Review status: criteria provided, single submitter. Criteria: Invitae Variant Classification Sherloc (09022015). Collection method: clinical testing. Allele origin: germline.
Comment: In summary, the available evidence is currently insufficient to determine the role of this variant in disease. Therefore, it has been classified as a Variant of Uncertain Significance. Algorithms developed to predict the effect of missense changes on protein structure and function (SIFT, PolyPhen-2, Align-GVGD) all suggest that this variant is likely to be tolerated, but these predictions have not been confirmed by published functional studies and their clinical significance is uncertain. This variant has not been reported in the literature in individuals with IQSEC2-related conditions. The frequency data for this variant in the population databases is considered unreliable, as metrics indicate insufficient coverage at this position in the ExAC database. This sequence change replaces arginine with histidine at codon 207 of the IQSEC2 protein (p.Arg207His). The arginine residue is weakly conserved and there is a small physicochemical difference between arginine and histidine.